The following is an entry in ClinVar:

ClinVar aggregate classification (germline): Uncertain significance (1 of 4 stars; one submission).

Conditions:
Epileptic encephalopathy. Identifiers: MedGen C0543888, HP:0200134.

Allele frequency attached by ClinVar (database versions not stated): gnomAD exomes below 0.00001.
gnomAD v4.1: 1 of 1,586,344 alleles (0.000063%); highest among the groups gnomAD compares: African/African-American, 0.0013%; no homozygotes.

Submission:

Labcorp Genetics (formerly Invitae), Labcorp
Classification: Uncertain significance for Epileptic encephalopathy. Last evaluated: 2018-08-29. Review status: criteria provided, single submitter. Criteria: Invitae Variant Classification Sherloc (09022015). Collection method: clinical testing. Allele origin: germline.
Comment: This sequence change replaces glutamic acid with lysine at codon 349 of the FASN protein (p.Glu349Lys). The glutamic acid residue is highly conserved and there is a small physicochemical difference between glutamic acid and lysine. This variant is not present in population databases (ExAC no frequency). This variant has not been reported in the literature in individuals with FASN-related disease. Algorithms developed to predict the effect of missense changes on protein structure and function are either unavailable or do not agree on the potential impact of this missense change (SIFT: "Deleterious"; PolyPhen-2: "Probably Damaging"; Align-GVGD: "Class C0"). In summary, the available evidence is currently insufficient to determine the role of this variant in disease. Therefore, it has been classified as a Variant of Uncertain Significance.

NM_004104.5(FASN):c.1045G>A (p.Glu349Lys)

Gene: FASN (fatty acid synthase; minus strand). Cytogenetic location: 17q25.3.
Variant type: single nucleotide variant.
Coding change: c.1045G>A on transcript NM_004104.5 (MANE Select); coding-DNA position 1045, G replaced by A.
Protein change: p.Glu349Lys; replaces glutamic acid 349 with lysine.
Molecular consequence: missense variant.
Genome position (GRCh38, 1-based): chr17:82,091,669, C>T on the plus strand (G>A on the coding strand, the complement: FASN is on the minus strand). VCF-style: chr17-82091669-C-T. GRCh37 (hg19) VCF-style: chr17-80049545-C-T.
Other names: short protein forms E349K.
Identifiers: ClinVar variation 652644 (VCV000652644.8), dbSNP rs1598582490, ClinGen allele CA401561432.